The following is an entry in ClinVar:

NM_001035.3(RYR2):c.3179A>G (p.Tyr1060Cys)

Gene: RYR2 (ryanodine receptor 2; plus strand). Cytogenetic location: 1q43.
Variant type: single nucleotide variant.
Coding change: c.3179A>G on transcript NM_001035.3 (MANE Select); coding-DNA position 3179, A replaced by G.
Protein change: p.Tyr1060Cys; replaces tyrosine 1060 with cysteine.
Molecular consequence: missense variant.
Genome position (GRCh38, 1-based): chr1:237,550,656, A>G. VCF-style: chr1-237550656-A-G. GRCh37 (hg19) VCF-style: chr1-237713956-A-G.
Other names: c.3179A>G (NM_001035.2); short protein forms Y1060C.
Identifiers: ClinVar variation 921958 (VCV000921958.5), dbSNP rs922979329, ClinGen allele CA071180.

ClinVar aggregate classification (germline): Uncertain significance. Review status: criteria provided, multiple submitters, no conflicts (2 of 4 stars). 3 submissions from 3 submitters: Uncertain significance (3). Last evaluated 2025-09-15.

Conditions:
Cardiovascular phenotype. Identifiers: MedGen CN230736.
Cardiomyopathy (CMYO). Also called: Cardiomyopathies. Identifiers: Orphanet 167848, MedGen C0878544, MONDO:0004994, HP:0001638. Inheritance: Various modes of inheritance.

Allele frequency attached by ClinVar (database versions not stated): gnomAD 0.00001; TOPMed 0.00002.

Submissions (3):

Ambry Genetics
Classification: Uncertain significance for Cardiovascular phenotype. Last evaluated: 2025-09-15. Review status: criteria provided, single submitter. Criteria: Ambry Variant Classification Scheme 2023. Collection method: clinical testing. Allele origin: germline.
Comment: The p.Y1060C variant (also known as c.3179A>G), located in coding exon 27 of the RYR2 gene, results from an A to G substitution at nucleotide position 3179. The tyrosine at codon 1060 is replaced by cysteine, an amino acid with highly dissimilar properties. This variant was reported in individual(s) with features consistent with catecholaminergic polymorphic ventricular tachycardia (Mazzanti A et al. JAMA Cardiol, 2022 May;7:504-512). This amino acid position is well conserved in available vertebrate species. In addition, the in silico prediction for this alteration is inconclusive. Based on the available evidence, the clinical significance of this variant remains unclear.

GeneDx
Classification: Uncertain significance. Last evaluated: 2022-12-27. Review status: criteria provided, single submitter. Criteria: GeneDx Variant Classification Process June 2021. Collection method: clinical testing. Allele origin: germline. Affected: yes.
Comment: Not observed at significant frequency in large population cohorts (gnomAD); In silico analysis supports that this missense variant has a deleterious effect on protein structure/function; Has not been previously published as pathogenic or benign to our knowledge; Not located in one of the three hot-spot regions of the RYR2 gene, where the majority of pathogenic missense variants occur (Medeiros-Domingo et al., 2009); This variant is associated with the following publications: (PMID: 19926015)

Color Diagnostics, LLC DBA Color Health
Classification: Uncertain significance for Cardiomyopathy. Last evaluated: 2021-01-12. Review status: criteria provided, single submitter. Criteria: ACMG Guidelines, 2015. Collection method: clinical testing. Allele origin: germline.
Comment: This variant is located in the RYR2 protein. Computational prediction is inconclusive regarding the impact of this variant on protein structure and function (internally defined REVEL score threshold 0.5 < inconclusive < 0.7, PMID: 27666373). To our knowledge, functional studies have not been reported for this variant. This variant has not been reported in individuals affected with cardiovascular disorders in the literature. This variant has been identified in 1/31402 chromosomes in the general population by the Genome Aggregation Database (gnomAD). The available evidence is insufficient to determine the role of this variant in disease conclusively. Therefore, this variant is classified as a Variant of Uncertain Significance.

Literature cited by the submitters: PubMed 35353122 (cited by Ambry Genetics).